The following is an entry in ClinVar:

ClinVar aggregate classification (germline): Uncertain significance. Review status: criteria provided, multiple submitters, no conflicts (2 of 4 stars). 2 submissions from 2 submitters: Uncertain significance (2). Last evaluated 2025-04-03.

Conditions:
Inborn genetic diseases. Identifiers: MedGen C0950123, MeSH D030342.

Allele frequency attached by ClinVar (database versions not stated): TOPMed below 0.00001.
gnomAD v4.1: 1 of 1,613,860 alleles (0.000062%); highest among the groups gnomAD compares: Non-Finnish European, 0.000085%; no homozygotes.

Submissions (2):

Ambry Genetics
Classification: Uncertain significance for Inborn genetic diseases. Last evaluated: 2025-04-03. Review status: criteria provided, single submitter. Criteria: Ambry Variant Classification Scheme 2023. Collection method: clinical testing. Allele origin: germline.
Comment: The p.L796P variant (also known as c.2387T>C), located in coding exon 1 of the SAMD9 gene, results from a T to C substitution at nucleotide position 2387. The leucine at codon 796 is replaced by proline, an amino acid with similar properties. This amino acid position is conserved. In addition, this alteration is predicted to be deleterious by in silico analysis. Based on the available evidence, the clinical significance of this variant remains unclear.

Labcorp Genetics (formerly Invitae), Labcorp
Classification: Uncertain significance. Last evaluated: 2021-09-01. Review status: criteria provided, single submitter. Criteria: Invitae Variant Classification Sherloc (09022015). Collection method: clinical testing. Allele origin: germline.
Comment: This sequence change replaces leucine with proline at codon 796 of the SAMD9 protein (p.Leu796Pro). The leucine residue is highly conserved and there is a moderate physicochemical difference between leucine and proline. This variant is not present in population databases (ExAC no frequency). This variant has not been reported in the literature in individuals affected with SAMD9-related conditions. Algorithms developed to predict the effect of missense changes on protein structure and function are either unavailable or do not agree on the potential impact of this missense change (SIFT: "Deleterious"; PolyPhen-2: "Probably Damaging"; Align-GVGD: "Class C0"). In summary, the available evidence is currently insufficient to determine the role of this variant in disease. Therefore, it has been classified as a Variant of Uncertain Significance.

NM_017654.4(SAMD9):c.2387T>C (p.Leu796Pro)

Gene: SAMD9 (sterile alpha motif domain containing 9; minus strand). Cytogenetic location: 7q21.2.
Variant type: single nucleotide variant.
Coding change: c.2387T>C on transcript NM_017654.4 (MANE Select); coding-DNA position 2387, T replaced by C.
Protein change: p.Leu796Pro; replaces leucine 796 with proline.
Molecular consequence: missense variant.
Genome position (GRCh38, 1-based): chr7:93,103,711, A>G on the plus strand (T>C on the coding strand, the complement: SAMD9 is on the minus strand). VCF-style: chr7-93103711-A-G. GRCh37 (hg19) VCF-style: chr7-92733024-A-G.
Other names: c.2387T>C, p.Leu796Pro (NM_001193307.2); c.2387T>C (NM_017654.3); short protein forms L796P.
Identifiers: ClinVar variation 1354228 (VCV001354228.6), dbSNP rs1791578247, ClinGen allele CA368190879.